The following is an entry in ClinVar:

ClinVar aggregate classification (germline): Conflicting classifications of pathogenicity. Review status: criteria provided, conflicting classifications (1 of 4 stars). 12 submissions from 8 submitters: Uncertain significance (2); Benign (3); Likely benign (4). 3 of the submissions do not count toward it. Last evaluated 2026-02-01.

Conditions:
Joubert syndrome 5 (JBTS5). Identifiers: Orphanet 2318, MedGen C1857780, MONDO:0012432, OMIM 610188.
Bardet-Biedl syndrome 14 (BBS14). Identifiers: Orphanet 110, MedGen C2673874, MONDO:0014442, OMIM 615991.
Leber congenital amaurosis 10 (LCA10). Identifiers: Orphanet 65, MedGen C1857821, MONDO:0012723, OMIM 611755.
Meckel-Gruber syndrome. Also called: GRUBER SYNDROME; DYSENCEPHALIA SPLANCHNOCYSTICA; Dysencephalia splachnocystica. Identifiers: Orphanet 564, MedGen C0265215, MONDO:0018921.
Joubert syndrome. Also called: JOUBERT-BOLTSHAUSER SYNDROME; Familial aplasia of the vermis. Identifiers: Orphanet 475, MedGen C5979921, MONDO:0018772.
Nephronophthisis. Also called: Juvenile Nephronophthisis. Identifiers: Orphanet 655, MedGen C0687120, MONDO:0019005, HP:0000090.
Leber congenital amaurosis (LCA). Also called: Leber's amaurosis. Identifiers: Orphanet 65, MedGen C0339527, MeSH D057130, MONDO:0018998.
Meckel syndrome, type 4 (MKS4). Also called: MECKEL-GRUBER SYNDROME, TYPE 4. Identifiers: Orphanet 564, MedGen C1970161, MONDO:0012626, OMIM 611134.
Retinal dystrophy. Also called: Inherited retinal dystrophy. Identifiers: Orphanet 71862, MedGen C0854723, MeSH D058499, MONDO:0019118, HP:0000556.
Senior-Loken syndrome 6 (SLSN6). Identifiers: Orphanet 3156, MedGen C1857779, MONDO:0012433, OMIM 610189.

Allele frequency attached by ClinVar (database versions not stated): ESP Exome Variant Server 0.00008; gnomAD 0.00058 and 0.00076; TOPMed 0.00069; gnomAD exomes 0.00118; ExAC 0.00119; 1000 Genomes Project 30x 0.00468; 1000 Genomes Project 0.00519.
gnomAD v4.1: 595 of 1,551,982 alleles (0.038%); highest among the groups gnomAD compares: East Asian, 0.81%; no homozygotes.

Submissions (12):

Labcorp Genetics (formerly Invitae), Labcorp
Classification: Benign for Joubert syndrome; Meckel-Gruber syndrome; Nephronophthisis. Last evaluated: 2026-02-01. Review status: criteria provided, single submitter. Criteria: Invitae Variant Classification Sherloc (09022015). Collection method: clinical testing. Allele origin: germline.

Blueprint Genetics
Classification: Likely benign. Last evaluated: 2024-10-21. Review status: criteria provided, single submitter. Criteria: ACMG Guidelines, 2015. Collection method: clinical testing. Allele origin: germline.

Dept Of Ophthalmology, Nagoya University
Classification: Benign for Retinal dystrophy. Last evaluated: 2023-10-01. Review status: criteria provided, single submitter. Criteria: Submitter's publication. Collection method: research. Allele origin: germline. Affected: yes.

GeneDx
Classification: Likely benign. Last evaluated: 2020-10-15. Review status: criteria provided, single submitter. Criteria: GeneDx Variant Classification Process June 2021. Collection method: clinical testing. Allele origin: germline. Affected: yes.
Comment: This variant is associated with the following publications: (PMID: 31630094)

Illumina Laboratory Services, Illumina
Classification: Likely benign for Joubert syndrome 5. Last evaluated: 2018-01-13. Review status: criteria provided, single submitter. Criteria: ICSL Variant Classification Criteria 13 December 2019. Collection method: clinical testing. Allele origin: germline.
Comment: This variant was observed in the ICSL laboratory as part of a predisposition screen in an ostensibly healthy population. It had not been previously curated by ICSL or reported in the Human Gene Mutation Database (HGMD: prior to June 1st, 2018), and was therefore a candidate for classification through an automated scoring system. Utilizing variant allele frequency, disease prevalence and penetrance estimates, and inheritance mode, an automated score was calculated to assess if this variant is too frequent to cause the disease. Based on the score and internal cut-off values, a variant classified as likely benign is not then subjected to further curation. The score for this variant resulted in a classification of likely benign for this disease.

Illumina Laboratory Services, Illumina
Classification: Uncertain significance for Leber congenital amaurosis 10. Last evaluated: 2018-01-13. Review status: criteria provided, single submitter. Criteria: ICSL Variant Classification Criteria 13 December 2019. Collection method: clinical testing. Allele origin: germline.

Illumina Laboratory Services, Illumina
Classification: Likely benign for Bardet-Biedl syndrome 14. Last evaluated: 2018-01-13. Review status: criteria provided, single submitter. Criteria: ICSL Variant Classification Criteria 13 December 2019. Collection method: clinical testing. Allele origin: germline.
Comment: the same text as in the submission from Illumina Laboratory Services, Illumina above.

Illumina Laboratory Services, Illumina
Classification: Uncertain significance for Meckel syndrome, type 4. Last evaluated: 2018-01-13. Review status: criteria provided, single submitter. Criteria: ICSL Variant Classification Criteria 13 December 2019. Collection method: clinical testing. Allele origin: germline.

Illumina Laboratory Services, Illumina
Classification: Benign for Senior-Loken syndrome 6. Last evaluated: 2018-01-13. Review status: criteria provided, single submitter. Criteria: ICSL Variant Classification Criteria 13 December 2019. Collection method: clinical testing. Allele origin: germline.
Comment: This variant was observed in the ICSL laboratory as part of a predisposition screen in an ostensibly healthy population. It had not been previously curated by ICSL or reported in the Human Gene Mutation Database (HGMD: prior to June 1st, 2018), and was therefore a candidate for classification through an automated scoring system. Utilizing variant allele frequency, disease prevalence and penetrance estimates, and inheritance mode, an automated score was calculated to assess if this variant is too frequent to cause the disease. Based on the score and internal cut-off values, a variant classified as benign is not then subjected to further curation. The score for this variant resulted in a classification of benign for this disease.

Natera, Inc.
Classification: Benign for Leber congenital amaurosis. Last evaluated: 2020-09-16. Review status: no assertion criteria provided. Collection method: clinical testing. Allele origin: germline. Not counted in ClinVar's aggregate classification.

Clinical Genetics DNA and cytogenetics Diagnostics Lab, Erasmus MC, Erasmus Medical Center
Classification: Likely benign. Review status: no assertion criteria provided. Collection method: clinical testing. Allele origin: germline. Affected: yes. Study: VKGL Data-share Consensus. Not counted in ClinVar's aggregate classification.

Clinical Genetics, Academic Medical Center
Classification: Benign. Review status: no assertion criteria provided. Collection method: clinical testing. Allele origin: germline. Affected: yes. Study: VKGL Data-share Consensus. Not counted in ClinVar's aggregate classification.

NM_025114.4(CEP290):c.7186G>T (p.Asp2396Tyr)

Gene: CEP290 (centrosomal protein 290; minus strand). Cytogenetic location: 12q21.32.
Variant type: single nucleotide variant.
Coding change: c.7186G>T on transcript NM_025114.4 (MANE Select); coding-DNA position 7186, G replaced by T.
Protein change: p.Asp2396Tyr; replaces aspartic acid 2396 with tyrosine.
Molecular consequence: missense variant.
Genome position (GRCh38, 1-based): chr12:88,050,377, C>A on the plus strand (G>T on the coding strand, the complement: CEP290 is on the minus strand). VCF-style: chr12-88050377-C-A. GRCh37 (hg19) VCF-style: chr12-88444154-C-A.
Other names: short protein forms D2396Y.
Identifiers: ClinVar variation 310589 (VCV000310589.23), dbSNP rs189556433, ClinGen allele CA6711331.